The following is an entry in ClinVar:

NM_001365088.1(SLC12A6):c.3178C>T (p.Gln1060Ter)

Gene: SLC12A6 (solute carrier family 12 member 6; minus strand). Cytogenetic location: 15q14.
Variant type: single nucleotide variant.
Coding change: c.3178C>T on transcript NM_001365088.1 (MANE Select); coding-DNA position 3178, C replaced by T.
Protein change: p.Gln1060Ter; replaces glutamine 1060 with a stop codon.
Molecular consequence: nonsense.
Genome position (GRCh38, 1-based): chr15:34,236,064, G>A on the plus strand (C>T on the coding strand, the complement: SLC12A6 is on the minus strand). VCF-style: chr15-34236064-G-A. GRCh37 (hg19) VCF-style: chr15-34528265-G-A.
Other names: c.3001C>T, p.Gln1001Ter (NM_001042494.2, NM_001042495.2); c.3151C>T, p.Gln1051Ter (NM_001042496.2); c.3133C>T, p.Gln1045Ter (NM_001042497.2); c.3025C>T, p.Gln1009Ter (NM_005135.2); c.3178C>T, p.Gln1060Ter (NM_133647.2); short protein forms Q1001*, Q1045*, Q1060*, Q1009*, Q1051*.
Identifiers: ClinVar variation 2103220 (VCV002103220.4), dbSNP rs2509743152, ClinGen allele CA391617539.

ClinVar aggregate classification (germline): Pathogenic (1 of 4 stars; one submission).

Submission:

Labcorp Genetics (formerly Invitae), Labcorp
Classification: Pathogenic. Last evaluated: 2024-03-24. Review status: criteria provided, single submitter. Criteria: Invitae Variant Classification Sherloc (09022015). Collection method: clinical testing. Allele origin: germline.
Comment: This sequence change creates a premature translational stop signal (p.Gln1060*) in the SLC12A6 gene. It is expected to result in an absent or disrupted protein product. Loss-of-function variants in SLC12A6 are known to be pathogenic (PMID: 12368912, 16606917). This variant is not present in population databases (gnomAD no frequency). This variant has not been reported in the literature in individuals affected with SLC12A6-related conditions. ClinVar contains an entry for this variant (Variation ID: 2103220). For these reasons, this variant has been classified as Pathogenic.

Literature cited by the submitters: PubMed 12368912; PubMed 16606917.